The following is an entry in ClinVar:

ClinVar aggregate classification (germline): Pathogenic (1 of 4 stars; one submission).

Conditions:
Cernunnos-XLF deficiency (IMD124). Also called: Severe combined immunodeficiency with sensitivity to ionizing radiation due to NHEJ1 deficiency; SCID, autosomal recessive, T cell-negative, B cell-negative, NK cell-positive, and sensitivity to ionizing radiation due to NHEJ1 deficiency; IMMUNODEFICIENCY 124, SEVERE COMBINED; SCID, AUTOSOMAL RECESSIVE, T CELL-NEGATIVE, B CELL-NEGATIVE, NK CELL-POSITIVE, WITH MICROCEPHALY, GROWTH RETARDATION, AND SENSITIVITY TO IONIZING RADIATION; NHEJ1 SYNDROME. Identifiers: Orphanet 169079, MedGen C1969799, MONDO:0012650, OMIM 611291.

Submission:

Labcorp Genetics (formerly Invitae), Labcorp
Classification: Pathogenic for Cernunnos-XLF deficiency. Last evaluated: 2025-06-09. Review status: criteria provided, single submitter. Criteria: Invitae Variant Classification Sherloc (09022015). Collection method: clinical testing. Allele origin: germline.
Comment: This sequence change creates a premature translational stop signal (p.Glu163Aspfs*22) in the NHEJ1 gene. It is expected to result in an absent or disrupted protein product. Loss-of-function variants in NHEJ1 are known to be pathogenic (PMID: 16439204, 20597108). This variant is present in population databases (no rsID available, gnomAD 0.1%). This variant has not been reported in the literature in individuals affected with NHEJ1-related conditions. For these reasons, this variant has been classified as Pathogenic.

Literature cited by the submitters: PubMed 16439204; PubMed 20597108.

NM_024782.3(NHEJ1):c.489_490del (p.Glu163fs)

Gene: NHEJ1 (non-homologous end joining factor 1; minus strand). Cytogenetic location: 2q35.
Variant type: Microsatellite.
Coding change: c.489_490del on transcript NM_024782.3 (MANE Select); coding-DNA positions 489 to 490, 2 bases deleted (GA; older notation c.489_490delGA).
Protein change: p.Glu163fs; shifts the reading frame from glutamic acid 163.
Molecular consequence: frameshift variant. On other transcripts: non-coding transcript variant (1).
Genome position (GRCh38, 1-based): chr2:219,147,696-219,147,697, TC deleted on the plus strand (GA on the coding strand, the reverse complement: NHEJ1 is on the minus strand); deleting any 2 consecutive bases within chr2:219,147,696-219,147,700 gives the same sequence; the c. name uses the placement nearest the transcript's 3' end. VCF-style (leftmost placement, unchanged base first): chr2-219147695-ATC-A. GRCh37 (hg19) VCF-style: chr2-220012417-ATC-A.
Other names: c.489_490del, p.Glu163fs (NM_001377498.1, NM_001377499.1); short protein forms E163fs.
Identifiers: ClinVar variation 4766092 (VCV004766092.1).